The following is an entry in ClinVar:

NM_002968.3(SALL1):c.211G>C (p.Val71Leu)

Gene: SALL1 (spalt like transcription factor 1; minus strand). Cytogenetic location: 16q12.1.
Variant type: single nucleotide variant.
Coding change: c.211G>C on transcript NM_002968.3 (MANE Select); coding-DNA position 211, G replaced by C.
Protein change: p.Val71Leu; replaces valine 71 with leucine.
Molecular consequence: missense variant. On other transcripts: 5 prime UTR variant (1).
Genome position (GRCh38, 1-based): chr16:51,142,011, C>G on the plus strand (G>C on the coding strand, the complement: SALL1 is on the minus strand). VCF-style: chr16-51142011-C-G. GRCh37 (hg19) VCF-style: chr16-51175922-C-G.
Other names: c.-81G>C (NM_001127892.2); short protein forms V71L.
Identifiers: ClinVar variation 2632850 (VCV002632850.1), dbSNP rs2506499054, ClinGen allele CA395893180.
Genomic context (GRCh38, chr16:51,142,011, plus strand): 5'-GAGGGGGGCTGGGGGAGAAGGTTTCGGGTGGGGAGGCTGGATTTTCATTTACGATTAAAA[C>G]TAATTGATTTTTAGTACAGTTCTTCTTGTGGAGCAGAAGATCTGATAATTCAAAGAACTC-3'
Protein context (NP_002959.2, residues 61-81): HKKNCTKNQL[Val71Leu]LIVNENPASP

ClinVar aggregate classification (germline): Uncertain significance (1 of 4 stars; one submission).

Conditions:
SALL1-related disorder. Also called: SALL1-related condition.

Submission:

PreventionGenetics, part of Exact Sciences
Classification: Uncertain significance for SALL1-related condition. Last evaluated: 2023-04-19. Review status: criteria provided, single submitter. Criteria: ACMG Guidelines, 2015. Collection method: clinical testing. Allele origin: germline.
Comment: The SALL1 c.211G>C variant is predicted to result in the amino acid substitution p.Val71Leu. To our knowledge, this variant has not been reported in the literature or in a large population database, indicating this variant is rare. At this time, the clinical significance of this variant is uncertain due to the absence of conclusive functional and genetic evidence.